The following is an entry in ClinVar:

ClinVar aggregate classification (germline): Likely benign (1 of 4 stars; one submission).

gnomAD v4.1: 687 of 1,612,204 alleles (0.043%); highest among the groups gnomAD compares: African/African-American, 0.67%; 5 homozygotes.

Submission:

CeGaT Center for Human Genetics Tuebingen
Classification: Likely benign. Last evaluated: 2026-09-01. Review status: criteria provided, single submitter. Criteria: CeGaT Center For Human Genetics Tuebingen Variant Classification Criteria Version 2. Collection method: clinical testing. Allele origin: germline. Affected: yes. Observed: 1 variant allele.
Comment: SLC30A9: BS2

NM_006345.4(SLC30A9):c.47C>T (p.Ser16Phe)

Gene: SLC30A9 (solute carrier family 30 member 9; plus strand). Cytogenetic location: 4p13.
Variant type: single nucleotide variant.
Coding change: c.47C>T on transcript NM_006345.4 (MANE Select); coding-DNA position 47, C replaced by T.
Protein change: p.Ser16Phe; replaces serine 16 with phenylalanine.
Molecular consequence: missense variant.
Genome position (GRCh38, 1-based): chr4:41,990,698, C>T. VCF-style: chr4-41990698-C-T. GRCh37 (hg19) VCF-style: chr4-41992715-C-T.
Other names: short protein forms S16F.
Identifiers: ClinVar variation 5040801 (VCV005040801.1).